The following is an entry in ClinVar:

ClinVar aggregate classification (germline): Uncertain significance (1 of 4 stars; one submission).

Allele frequency attached by ClinVar (database versions not stated): ESP Exome Variant Server 0.00008; ExAC 0.00001; gnomAD exomes 0.00001; TOPMed 0.00001.
gnomAD v4.1: 11 of 1,614,156 alleles (0.00068%); highest among the groups gnomAD compares: African/African-American, 0.0013%; no homozygotes.

Submission:

Labcorp Genetics (formerly Invitae), Labcorp
Classification: Uncertain significance. Last evaluated: 2025-11-27. Review status: criteria provided, single submitter. Criteria: Invitae Variant Classification Sherloc (09022015). Collection method: clinical testing. Allele origin: germline.
Comment: This sequence change replaces glutamine, which is neutral and polar, with glutamic acid, which is acidic and polar, at codon 295 of the DLST protein (p.Gln295Glu). This variant is present in population databases (rs371526031, gnomAD 0.004%). This variant has not been reported in the literature in individuals affected with DLST-related conditions. ClinVar contains an entry for this variant (Variation ID: 2698833). Invitae Evidence Modeling of protein sequence and biophysical properties (such as structural, functional, and spatial information, amino acid conservation, physicochemical variation, residue mobility, and thermodynamic stability) indicates that this missense variant is not expected to disrupt DLST protein function with a negative predictive value of 80%. In summary, the available evidence is currently insufficient to determine the role of this variant in disease. Therefore, it has been classified as a Variant of Uncertain Significance.

NM_001933.5(DLST):c.883C>G (p.Gln295Glu)

Gene: DLST (dihydrolipoamide S-succinyltransferase; plus strand). Cytogenetic location: 14q24.3.
Variant type: single nucleotide variant.
Coding change: c.883C>G on transcript NM_001933.5 (MANE Select); coding-DNA position 883, C replaced by G.
Protein change: p.Gln295Glu; replaces glutamine 295 with glutamic acid.
Molecular consequence: missense variant. On other transcripts: non-coding transcript variant (2).
Genome position (GRCh38, 1-based): chr14:74,898,481, C>G. VCF-style: chr14-74898481-C-G. GRCh37 (hg19) VCF-style: chr14-75365184-C-G.
Other names: short protein forms Q295E.
Identifiers: ClinVar variation 2698833 (VCV002698833.3), dbSNP rs371526031, ClinGen allele CA7273669.